The following is an entry in ClinVar:

ClinVar aggregate classification (germline): Uncertain significance (1 of 4 stars; one submission).

Conditions:
Cardiovascular phenotype. Identifiers: MedGen CN230736.

gnomAD v4.1: 1 of 1,611,526 alleles (0.000062%); highest among the groups gnomAD compares: Admixed American, 0.0017%; no homozygotes.

Submission:

Ambry Genetics
Classification: Uncertain significance for Cardiovascular phenotype. Last evaluated: 2025-07-22. Review status: criteria provided, single submitter. Criteria: Ambry Variant Classification Scheme 2023. Collection method: clinical testing. Allele origin: germline.
Comment: The p.P101H variant (also known as c.302C>A), located in coding exon 3 of the TECRL gene, results from a C to A substitution at nucleotide position 302. The proline at codon 101 is replaced by histidine, an amino acid with similar properties. This amino acid position is conserved. In addition, the in silico prediction for this alteration is inconclusive. Based on the available evidence, the clinical significance of this variant remains unclear.

NM_001010874.5(TECRL):c.302C>A (p.Pro101His)

Gene: TECRL (trans-2,3-enoyl-CoA reductase like; minus strand). Cytogenetic location: 4q13.1.
Variant type: single nucleotide variant.
Coding change: c.302C>A on transcript NM_001010874.5 (MANE Select); coding-DNA position 302, C replaced by A.
Protein change: p.Pro101His; replaces proline 101 with histidine.
Molecular consequence: missense variant.
Genome position (GRCh38, 1-based): chr4:64,328,541, G>T on the plus strand (C>A on the coding strand, the complement: TECRL is on the minus strand). VCF-style: chr4-64328541-G-T. GRCh37 (hg19) VCF-style: chr4-65194259-G-T.
Other names: c.302C>A, p.Pro101His (NM_001363796.1); short protein forms P101H.
Identifiers: ClinVar variation 4182151 (VCV004182151.1).